The following is an entry in ClinVar:

ClinVar aggregate classification (germline): Likely benign. Review status: reviewed by expert panel (3 of 4 stars). 7 submissions from 7 submitters: Likely benign (1). 6 of the submissions do not count toward it. Last evaluated 2017-06-29.

Conditions:
Hereditary cancer-predisposing syndrome. Also called: Tumor predisposition; Hereditary Cancer Syndrome; Hereditary neoplastic syndrome; Neoplastic Syndromes, Hereditary. Identifiers: Orphanet 140162, MedGen C0027672, MeSH D009386, MONDO:0015356.
Hereditary breast ovarian cancer syndrome. Also called: Breast and ovarian cancer; Hereditary breast and ovarian cancer syndrome; Hereditary breast and ovarian cancer; BRCA1- and BRCA2-Associated Hereditary Breast and Ovarian Cancer; Hereditary breast and ovarian cancer syndrome (HBOC); Hereditary breast and/or ovarian cancer syndrome. Identifiers: Orphanet 145, MedGen C0677776, MeSH D061325, MONDO:0003582. Disease mechanism: loss of function.
Breast-ovarian cancer, familial, susceptibility to, 2 (BROVCA2). Also called: BRCA2 Hereditary Breast and Ovarian Cancer. Identifiers: Orphanet 145, MedGen C2675520, MONDO:0012933, OMIM 612555. Disease mechanism: loss of function.

Allele frequency attached by ClinVar (database versions not stated): gnomAD exomes below 0.00001.
gnomAD v4.1: 1 of 1,613,706 alleles (0.000062%); highest among the groups gnomAD compares: Non-Finnish European, 0.000085%; no homozygotes.

Submissions (7):

Evidence-based Network for the Interpretation of Germline Mutant Alleles (ENIGMA)
Classification: Likely benign for Breast-ovarian cancer, familial, susceptibility to, 2. Last evaluated: 2017-06-29. Review status: reviewed by expert panel. Criteria: ENIGMA BRCA1/2 Classification Criteria (2017-06-29). Collection method: curation. Allele origin: germline.
Comment: Synonymous substitution variant, with low bioinformatic likelihood to result in a splicing aberration (Splicing prior probability 0.02).

Labcorp Genetics (formerly Invitae), Labcorp
Classification: Likely benign for Hereditary breast ovarian cancer syndrome. Last evaluated: 2025-07-21. Review status: criteria provided, single submitter. Criteria: Invitae Variant Classification Sherloc (09022015). Collection method: clinical testing. Allele origin: germline. Not counted in ClinVar's aggregate classification.

Molecular Diagnostics Laboratory, Catalan Institute of Oncology
Classification: Likely benign for Hereditary cancer-predisposing syndrome. Last evaluated: 2024-11-12. Review status: criteria provided, single submitter. Criteria: ClinGen BRCA1BRCA2 ACMG Specifications BRCA2 V1.0.0. Collection method: clinical testing. Allele origin: germline. Not counted in ClinVar's aggregate classification.
Comment: PM2_Supporting, BP1_Strong c.7137A>G, located in exon 14 of the BRCA2 gene, is predicted to result in no amino acid change, p.(Gly2379=). This position is outside a (potentially) clinically important functional domain and, moreover, the SpliceAI algorithm predicts no significant impact on splicing (BP1_strong). It is not present in the population database gnomAD v2.1.1, non cancer dataset (PM2_supporting). To our knowledge, neither relevant clinical data nor well-stablished functional studies have been reported for this variant. This variant has been reported in the ClinVar database (2x benign, 3x likely benign), in the LOVD database (1x benign, 1x likely benign, 3x uncertain significance) and in the BRCA Exchange database as a likely benign variant (‘Synonymous substitution variant, with low bioinformatic likelihood to result in a splicing aberration (Splicing prior probability 0.02). Based on currently available information, the variant c.7137A>G should be considered a likely benign variant.

All of Us Research Program, National Institutes of Health
Classification: Likely benign for Breast-ovarian cancer, familial, susceptibility to, 2. Last evaluated: 2023-06-26. Review status: criteria provided, single submitter. Criteria: ACMG Guidelines, 2015. Collection method: clinical testing. Allele origin: germline. Inheritance: Autosomal dominant inheritance. Observed: 1 variant allele, 1 heterozygote. Not counted in ClinVar's aggregate classification.
Comment: This study involves interpretation of variants in research participants for the purpose of population health screening. Participant phenotype was not available at the time of variant classification. Additional details can be found in publication PMID: 35346344, PMCID: PMC8962531

Quest Diagnostics Nichols Institute San Juan Capistrano
Classification: Likely benign. Last evaluated: 2017-06-19. Review status: criteria provided, single submitter. Criteria: Quest Diagnostics criteria. Collection method: clinical testing. Allele origin: germline. Not counted in ClinVar's aggregate classification.

Ambry Genetics
Classification: Likely benign for Hereditary cancer-predisposing syndrome. Last evaluated: 2015-07-15. Review status: criteria provided, single submitter. Criteria: Ambry Variant Classification Scheme 2023. Collection method: clinical testing. Allele origin: germline. Not counted in ClinVar's aggregate classification.

GeneDx
Classification: Benign. Last evaluated: 2014-07-24. Review status: criteria provided, single submitter. Criteria: GeneDx Variant Classification (06012015). Collection method: clinical testing. Allele origin: germline. Affected: yes. Not counted in ClinVar's aggregate classification.
Comment: This variant is considered likely benign or benign based on one or more of the following criteria: it is a conservative change, it occurs at a poorly conserved position in the protein, it is predicted to be benign by multiple in silico algorithms, and/or has population frequency not consistent with disease.

Literature cited by the submitters: PubMed 16758124 (cited by Quest Diagnostics Nichols Institute San Juan Capistrano); PubMed 12385650 (cited by Quest Diagnostics Nichols Institute San Juan Capistrano).

NM_000059.4(BRCA2):c.7137A>G (p.Gly2379=)

Gene: BRCA2 (BRCA2 DNA repair associated; plus strand). Cytogenetic location: 13q13.1.
Variant type: single nucleotide variant.
Coding change: c.7137A>G on transcript NM_000059.4 (MANE Select); coding-DNA position 7137, A replaced by G.
Protein change: p.Gly2379=; no amino-acid change (glycine 2379 retained).
Molecular consequence: synonymous variant.
Genome position (GRCh38, 1-based): chr13:32,354,990, A>G. VCF-style: chr13-32354990-A-G. GRCh37 (hg19) VCF-style: chr13-32929127-A-G.
Other names: p.G2379G:GGA>GGG.
Identifiers: ClinVar variation 182294 (VCV000182294.18), dbSNP rs730881593, ClinGen allele CA024900.